The following is an entry in ClinVar:

NM_012469.4(PRPF6):c.2366G>A (p.Arg789His)

Gene: PRPF6 (pre-mRNA processing factor 6; plus strand). Cytogenetic location: 20q13.33.
Variant type: single nucleotide variant.
Coding change: c.2366G>A on transcript NM_012469.4 (MANE Select); coding-DNA position 2366, G replaced by A.
Protein change: p.Arg789His; replaces arginine 789 with histidine.
Molecular consequence: missense variant.
Genome position (GRCh38, 1-based): chr20:64,028,504, G>A. VCF-style: chr20-64028504-G-A. GRCh37 (hg19) VCF-style: chr20-62659857-G-A.
Other names: short protein forms R789H.
Identifiers: ClinVar variation 1361894 (VCV001361894.6), dbSNP rs918326837, ClinGen allele CA409742486.

ClinVar aggregate classification (germline): Uncertain significance (1 of 4 stars; one submission).

Allele frequency attached by ClinVar (database versions not stated): gnomAD exomes below 0.00001.
gnomAD v4.1: 3 of 1,613,892 alleles (0.00019%); highest among the groups gnomAD compares: Non-Finnish European, 0.00025%; no homozygotes.

Submission:

Labcorp Genetics (formerly Invitae), Labcorp
Classification: Uncertain significance. Last evaluated: 2021-11-08. Review status: criteria provided, single submitter. Criteria: Invitae Variant Classification Sherloc (09022015). Collection method: clinical testing. Allele origin: germline.
Comment: This sequence change replaces arginine, which is basic and polar, with histidine, which is basic and polar, at codon 789 of the PRPF6 protein (p.Arg789His). This variant is not present in population databases (gnomAD no frequency). This variant has not been reported in the literature in individuals affected with PRPF6-related conditions. Algorithms developed to predict the effect of missense changes on protein structure and function (SIFT, PolyPhen-2, Align-GVGD) all suggest that this variant is likely to be disruptive. In summary, the available evidence is currently insufficient to determine the role of this variant in disease. Therefore, it has been classified as a Variant of Uncertain Significance.